The following is an entry in ClinVar:

ClinVar aggregate classification (germline): Likely benign (1 of 4 stars; one submission).

Submission:

CeGaT Center for Human Genetics Tuebingen
Classification: Likely benign. Last evaluated: 2026-06-01. Review status: criteria provided, single submitter. Criteria: CeGaT Center For Human Genetics Tuebingen Variant Classification Criteria Version 2. Collection method: clinical testing. Allele origin: germline. Affected: yes. Observed: 1 variant allele.
Comment: ACTL6B: BP4, BP7

NM_016188.5(ACTL6B):c.543C>T (p.Asp181=)

Gene: ACTL6B (actin like 6B; minus strand). Cytogenetic location: 7q22.1.
Variant type: single nucleotide variant.
Coding change: c.543C>T on transcript NM_016188.5 (MANE Select); coding-DNA position 543, C replaced by T.
Protein change: p.Asp181=; no amino-acid change (aspartic acid 181 retained).
Molecular consequence: synonymous variant. On other transcripts: non-coding transcript variant (1).
Genome position (GRCh38, 1-based): chr7:100,648,748, G>A on the plus strand (C>T on the coding strand, the complement: ACTL6B is on the minus strand). VCF-style: chr7-100648748-G-A. GRCh37 (hg19) VCF-style: chr7-100246371-G-A.
Identifiers: ClinVar variation 4872221 (VCV004872221.2).